The following is an entry in ClinVar:

ClinVar aggregate classification (germline): Benign. Review status: criteria provided, single submitter (1 of 4 stars). 2 submissions from 2 submitters: Benign (1). 1 of the submissions does not count toward it. Last evaluated 2019-01-10.

Conditions:
Familial colorectal cancer. Identifiers: MedGen CN280943, MONDO:0023113. Disease mechanism: loss of function.

Allele frequency attached by ClinVar (database versions not stated): gnomAD 0.60209 and 0.61150; TOPMed 0.62128; 1000 Genomes Project 30x 0.66958; 1000 Genomes Project 0.67412.
gnomAD v4.1: 92,631 of 151,408 alleles (61%); highest among the groups gnomAD compares: East Asian, 82%; 28,781 homozygotes.

Submissions (2):

GeneDx
Classification: Benign. Last evaluated: 2019-01-10. Review status: criteria provided, single submitter. Criteria: GeneDx Variant Classification Process June 2021. Collection method: clinical testing. Allele origin: germline. Affected: yes.

Systems Biology Platform Zhejiang California International NanoSystems Institute
Classification: other for Familial colorectal cancer. Review status: no assertion criteria provided. Collection method: not provided. Allele origin: unknown. Not counted in ClinVar's aggregate classification.
ClinVar note: Converted during submission from cancer to other.

NM_000038.6(APC):c.1627-315C>T

Gene: APC (APC regulator of WNT signaling pathway; plus strand). Cytogenetic location: 5q22.2.
Variant type: single nucleotide variant.
Coding change: c.1627-315C>T on transcript NM_000038.6 (MANE Select); 315 bases into the intron before coding-DNA position 1627, C replaced by T.
Molecular consequence: intron variant.
Genome position (GRCh38, 1-based): chr5:112,828,541, C>T. VCF-style: chr5-112828541-C-T. GRCh37 (hg19) VCF-style: chr5-112164238-C-T.
Other names: c.1627-315C>T (NM_001354895.2, NM_001127510.3); c.1657-315C>T (NM_001354897.2); c.1354-315C>T (NM_001354902.2); c.1573-315C>T (NM_001127511.3); c.1552-315C>T (NM_001354898.2); c.1249-315C>T (NM_001354904.2); c.778-315C>T (NM_001354906.2); c.1681-315C>T (NM_001354896.2); and 5 more.
Identifiers: ClinVar variation 83162 (VCV000083162.5), dbSNP rs187075, ClinGen allele CA005396.